The following is an entry in ClinVar:

ClinVar aggregate classification (germline): Uncertain significance (1 of 4 stars; one submission).

Submission:

Ambry Genetics
Classification: Uncertain significance. Last evaluated: 2024-04-28. Review status: criteria provided, single submitter. Criteria: Ambry Variant Classification Scheme 2023. Collection method: clinical testing. Allele origin: germline.
Comment: The p.H463D variant (also known as c.1387C>G), located in coding exon 12 of the BUB1 gene, results from a C to G substitution at nucleotide position 1387. The histidine at codon 463 is replaced by aspartic acid, an amino acid with similar properties. This amino acid position is conserved. In addition, this alteration is predicted to be tolerated by in silico analysis. Based on the available evidence, the clinical significance of this variant remains unclear.

NM_004336.5(BUB1):c.1387C>G (p.His463Asp)

Gene: BUB1 (BUB1 mitotic checkpoint serine/threonine kinase; minus strand). Cytogenetic location: 2q13.
Variant type: single nucleotide variant.
Coding change: c.1387C>G on transcript NM_004336.5 (MANE Select); coding-DNA position 1387, C replaced by G.
Protein change: p.His463Asp; replaces histidine 463 with aspartic acid.
Molecular consequence: missense variant.
Genome position (GRCh38, 1-based): chr2:110,658,632, G>C on the plus strand (C>G on the coding strand, the complement: BUB1 is on the minus strand). VCF-style: chr2-110658632-G-C. GRCh37 (hg19) VCF-style: chr2-111416209-G-C.
Other names: c.1327C>G, p.His443Asp (NM_001278616.2); c.1387C>G, p.His463Asp (NM_001278617.2); short protein forms H443D, H463D.
Identifiers: ClinVar variation 3262149 (VCV003262149.1).